The following is an entry in ClinVar:

ClinVar aggregate classification (germline): Conflicting classifications of pathogenicity. Review status: criteria provided, conflicting classifications (1 of 4 stars). 7 submissions from 7 submitters: Uncertain significance (6); Likely benign (1). Last evaluated 2025-12-03.

Conditions:
Inborn genetic diseases. Identifiers: MedGen C0950123, MeSH D030342.
YARS1-related disorder. Also called: YARS1-related condition.
Neurologic, endocrine, and pancreatic disease, multisystem, infantile-onset 2 (IMNEPD2). Also called: YARS1 Deficiency. Identifiers: MedGen C5543623, MONDO:0030375, OMIM 619418.
Charcot-Marie-Tooth disease dominant intermediate C (CMTDIC). Also called: CHARCOT-MARIE-TOOTH NEUROPATHY, DOMINANT INTERMEDIATE C. Identifiers: Orphanet 100045, MedGen C1842237, MONDO:0012012, OMIM 608323.

Allele frequency attached by ClinVar (database versions not stated): gnomAD 0.00006; TOPMed 0.00013; ESP Exome Variant Server 0.00023; 1000 Genomes Project 0.00040; 1000 Genomes Project 30x 0.00047.
gnomAD v4.1: 84 of 1,614,032 alleles (0.0052%); highest among the groups gnomAD compares: Middle Eastern, 0.066%; no homozygotes.

Submissions (7):

PreventionGenetics, part of Exact Sciences
Classification: Uncertain significance for YARS1-related condition. Last evaluated: 2025-12-03. Review status: criteria provided, single submitter. Criteria: ACMG Guidelines, 2015. Collection method: clinical testing. Allele origin: germline.
Comment: The YARS1 c.946G>A variant is predicted to result in the amino acid substitution p.Ala316Thr. To our knowledge, this variant has not been reported in the literature. This variant is reported in 0.036% of alleles in individuals of African descent in gnomAD. At this time, the clinical significance of this variant is uncertain due to the absence of conclusive functional and genetic evidence.

Labcorp Genetics (formerly Invitae), Labcorp
Classification: Uncertain significance for Charcot-Marie-Tooth disease dominant intermediate C. Last evaluated: 2024-12-12. Review status: criteria provided, single submitter. Criteria: Invitae Variant Classification Sherloc (09022015). Collection method: clinical testing. Allele origin: germline.
Comment: This sequence change replaces alanine, which is neutral and non-polar, with threonine, which is neutral and polar, at codon 316 of the YARS protein (p.Ala316Thr). This variant is present in population databases (rs138454151, gnomAD 0.03%). This variant has not been reported in the literature in individuals affected with YARS-related conditions. ClinVar contains an entry for this variant (Variation ID: 297154). Invitae Evidence Modeling of protein sequence and biophysical properties (such as structural, functional, and spatial information, amino acid conservation, physicochemical variation, residue mobility, and thermodynamic stability) indicates that this missense variant is not expected to disrupt YARS protein function with a negative predictive value of 80%. In summary, the available evidence is currently insufficient to determine the role of this variant in disease. Therefore, it has been classified as a Variant of Uncertain Significance.

Athena Diagnostics
Classification: Uncertain significance. Last evaluated: 2024-09-04. Review status: criteria provided, single submitter. Criteria: Athena Diagnostics Criteria. Collection method: clinical testing. Allele origin: unknown.
Comment: Available data are insufficient to determine the clinical significance of the variant at this time. The frequency of this variant in the general population is uninformative in assessment of its pathogenicity. Polyphen and MutationTaster predict this amino acid change may be benign.

Genomic Medicine Center of Excellence, King Faisal Specialist Hospital and Research Centre
Classification: Uncertain significance for Neurologic, endocrine, and pancreatic disease, multisystem, infantile-onset 2. Last evaluated: 2024-04-04. Review status: criteria provided, single submitter. Criteria: ACMG Guidelines, 2015. Collection method: clinical testing. Allele origin: germline.

GeneDx
Classification: Uncertain significance. Last evaluated: 2024-03-01. Review status: criteria provided, single submitter. Criteria: GeneDx Variant Classification Process June 2021. Collection method: clinical testing. Allele origin: germline. Affected: yes.
Comment: In silico analysis supports that this missense variant does not alter protein structure/function; Has not been previously published as pathogenic or benign to our knowledge; This variant is associated with the following publications: (PMID: 16429158)

Ambry Genetics
Classification: Uncertain significance for Inborn genetic diseases. Last evaluated: 2023-01-24. Review status: criteria provided, single submitter. Criteria: Ambry Variant Classification Scheme 2023. Collection method: clinical testing. Allele origin: germline.

Illumina Laboratory Services, Illumina
Classification: Likely benign for Charcot-Marie-Tooth disease dominant intermediate C. Last evaluated: 2018-01-12. Review status: criteria provided, single submitter. Criteria: ICSL Variant Classification Criteria 13 December 2019. Collection method: clinical testing. Allele origin: germline.
Comment: This variant was observed in the ICSL laboratory as part of a predisposition screen in an ostensibly healthy population. It had not been previously curated by ICSL or reported in the Human Gene Mutation Database (HGMD: prior to June 1st, 2018), and was therefore a candidate for classification through an automated scoring system. Utilizing variant allele frequency, disease prevalence and penetrance estimates, and inheritance mode, an automated score was calculated to assess if this variant is too frequent to cause the disease. Based on the score and internal cut-off values, a variant classified as likely benign is not then subjected to further curation. The score for this variant resulted in a classification of likely benign for this disease.

NM_003680.4(YARS1):c.946G>A (p.Ala316Thr)

Gene: YARS1 (tyrosyl-tRNA synthetase 1; minus strand). Cytogenetic location: 1p35.1.
Variant type: single nucleotide variant.
Coding change: c.946G>A on transcript NM_003680.4 (MANE Select); coding-DNA position 946, G replaced by A.
Protein change: p.Ala316Thr; replaces alanine 316 with threonine.
Molecular consequence: missense variant.
Genome position (GRCh38, 1-based): chr1:32,782,500, C>T on the plus strand (G>A on the coding strand, the complement: YARS1 is on the minus strand). VCF-style: chr1-32782500-C-T. GRCh37 (hg19) VCF-style: chr1-33248101-C-T.
Other names: short protein forms A316T.
Identifiers: ClinVar variation 297154 (VCV000297154.21), dbSNP rs138454151, ClinGen allele CA745039.